The following is an entry in ClinVar:

NM_000350.3(ABCA4):c.4363del (p.Cys1455fs)

Gene: ABCA4 (ATP binding cassette subfamily A member 4; minus strand). Cytogenetic location: 1p22.1.
Variant type: Deletion.
Coding change: c.4363del on transcript NM_000350.3 (MANE Select); coding-DNA position 4363, one base deleted (T; older notation c.4363delT).
Protein change: p.Cys1455fs; shifts the reading frame from cysteine 1455.
Molecular consequence: frameshift variant.
Genome position (GRCh38, 1-based): chr1:94,029,621, A deleted on the plus strand (T on the coding strand, the reverse complement: ABCA4 is on the minus strand). VCF-style (leftmost placement, unchanged base first): chr1-94029620-CA-C. GRCh37 (hg19) VCF-style: chr1-94495176-CA-C.
Other names: c.4141delT, p.Cys1381Valfs (NM_001425324.1); short protein forms C1455fs.
Identifiers: ClinVar variation 1071758 (VCV001071758.9), dbSNP rs2101033821, ClinGen allele CA2499214886.

ClinVar aggregate classification (germline): Pathogenic (1 of 4 stars; one submission).

Allele frequency attached by ClinVar (database versions not stated): gnomAD exomes below 0.00001.

Submission:

Labcorp Genetics (formerly Invitae), Labcorp
Classification: Pathogenic. Last evaluated: 2022-06-01. Review status: criteria provided, single submitter. Criteria: Invitae Variant Classification Sherloc (09022015). Collection method: clinical testing. Allele origin: germline.
Comment: For these reasons, this variant has been classified as Pathogenic. ClinVar contains an entry for this variant (Variation ID: 1071758). This premature translational stop signal has been observed in individual(s) with retinal dystrophy (PMID: 28771251). This variant is not present in population databases (gnomAD no frequency). This sequence change creates a premature translational stop signal (p.Cys1455Valfs*71) in the ABCA4 gene. It is expected to result in an absent or disrupted protein product. Loss-of-function variants in ABCA4 are known to be pathogenic (PMID: 10958761, 24938718, 25312043, 26780318).

Literature cited by the submitters: PubMed 28771251; PubMed 10958761; PubMed 24938718; PubMed 25312043; PubMed 26780318.